The following is an entry in ClinVar:

NM_006059.4(LAMC3):c.3594G>C (p.Arg1198Ser)

Gene: LAMC3 (laminin subunit gamma 3; plus strand). Cytogenetic location: 9q34.12.
Variant type: single nucleotide variant.
Coding change: c.3594G>C on transcript NM_006059.4 (MANE Select); coding-DNA position 3594, G replaced by C.
Protein change: p.Arg1198Ser; replaces arginine 1198 with serine.
Molecular consequence: missense variant.
Genome position (GRCh38, 1-based): chr9:131,075,930, G>C. VCF-style: chr9-131075930-G-C. GRCh37 (hg19) VCF-style: chr9-133951317-G-C.
Other names: short protein forms R1198S.
Identifiers: ClinVar variation 1475974 (VCV001475974.3), dbSNP rs199612934, ClinGen allele CA5287858.
Genomic context (GRCh38, chr9:131,075,930, plus strand): 5'-GAGGGCCCTGCTCGCCTCCAACACCAGCTACGCGCTTCTCTGGAATCTGCTGGAGGGAAG[G>C]GTGGCCCTAGAGACCCAGCGGGACCTGGAGGACAGGTGAGGCCTCCCCAGGTGTGGGTAG-3'
Protein context (NP_006050.3, residues 1188-1208): YALLWNLLEG[Arg1198Ser]VALETQRDLE

ClinVar aggregate classification (germline): Uncertain significance (1 of 4 stars; one submission).

Allele frequency attached by ClinVar (database versions not stated): TOPMed 0.00002; gnomAD 0.00004 and 0.00006; ExAC 0.00012; 1000 Genomes Project 0.00040; 1000 Genomes Project 30x 0.00062.
gnomAD v4.1: 65 of 1,610,638 alleles (0.004%); highest among the groups gnomAD compares: East Asian, 0.13%; no homozygotes.

Submission:

Labcorp Genetics (formerly Invitae), Labcorp
Classification: Uncertain significance. Last evaluated: 2022-09-27. Review status: criteria provided, single submitter. Criteria: Invitae Variant Classification Sherloc (09022015). Collection method: clinical testing. Allele origin: germline.
Comment: This sequence change replaces arginine, which is basic and polar, with serine, which is neutral and polar, at codon 1198 of the LAMC3 protein (p.Arg1198Ser). This variant is present in population databases (rs199612934, gnomAD 0.1%). This variant has not been reported in the literature in individuals affected with LAMC3-related conditions. ClinVar contains an entry for this variant (Variation ID: 1475974). Algorithms developed to predict the effect of missense changes on protein structure and function output the following: SIFT: "Tolerated"; PolyPhen-2: "Benign"; Align-GVGD: "Class C0". The serine amino acid residue is found in multiple mammalian species, which suggests that this missense change does not adversely affect protein function. In summary, the available evidence is currently insufficient to determine the role of this variant in disease. Therefore, it has been classified as a Variant of Uncertain Significance.